The following is an entry in ClinVar:

NM_004991.4(MECOM):c.2558G>T (p.Gly853Val)

Gene: MECOM (MDS1 and EVI1 complex locus; minus strand). Cytogenetic location: 3q26.2.
Variant type: single nucleotide variant.
Coding change: c.2558G>T on transcript NM_004991.4 (MANE Select); coding-DNA position 2558, G replaced by T.
Protein change: p.Gly853Val; replaces glycine 853 with valine.
Molecular consequence: missense variant.
Genome position (GRCh38, 1-based): chr3:169,112,806, C>A on the plus strand (G>T on the coding strand, the complement: MECOM is on the minus strand). VCF-style: chr3-169112806-C-A. GRCh37 (hg19) VCF-style: chr3-168830594-C-A.
Other names: c.2189G>T, p.Gly730Val (NM_001105077.4); c.1994G>T, p.Gly665Val (NM_001105078.4, NM_001164000.2, NM_001205194.2 and 4 more transcripts); c.1997G>T, p.Gly666Val (NM_001163999.2, NM_001366467.2, NM_001366468.2 and 1 more transcripts); c.2558G>T, p.Gly853Val (NM_001366466.2); c.1586G>T, p.Gly529Val (NM_001366473.2); c.1022G>T, p.Gly341Val (NM_001366474.2); short protein forms G853V, G665V, G666V, G341V, G529V, G730V.
Identifiers: ClinVar variation 4842764 (VCV004842764.1).

ClinVar aggregate classification (germline): Uncertain significance (1 of 4 stars; one submission).

Conditions:
Inborn genetic diseases. Identifiers: MedGen C0950123, MeSH D030342.

gnomAD v4.1: 1 of 1,612,914 alleles (0.000062%); highest among the groups gnomAD compares: Non-Finnish European, 0.000085%; no homozygotes.

Submission:

Ambry Genetics
Classification: Uncertain significance for Inborn genetic diseases. Last evaluated: 2025-12-29. Review status: criteria provided, single submitter. Criteria: Ambry Variant Classification Scheme 2023. Collection method: clinical testing. Allele origin: germline.
Comment: The p.G853V variant (also known as c.2558G>T), located in coding exon 9 of the MECOM gene, results from a G to T substitution at nucleotide position 2558. The glycine at codon 853 is replaced by valine, an amino acid with dissimilar properties. This amino acid position is conserved. In addition, the in silico prediction for this alteration is inconclusive. Based on the available evidence, the clinical significance of this variant remains unclear.